The following is an entry in ClinVar:

ClinVar aggregate classification (germline): Uncertain significance. Review status: criteria provided, multiple submitters, no conflicts (2 of 4 stars). 2 submissions from 2 submitters: Uncertain significance (2). Last evaluated 2017-09-20.

Conditions:
Hereditary cancer-predisposing syndrome. Also called: Tumor predisposition; Hereditary Cancer Syndrome; Hereditary neoplastic syndrome; Neoplastic Syndromes, Hereditary. Identifiers: Orphanet 140162, MedGen C0027672, MeSH D009386, MONDO:0015356.
Familial adenomatous polyposis 2. Also called: COLORECTAL ADENOMATOUS POLYPOSIS, AUTOSOMAL RECESSIVE; MUTYH Polyposis; MUTYH-associated polyposis; MUTYH-related attenuated familial adenomatous polyposis; Adenomas, multiple colorectal; ADENOMAS, MULTIPLE COLORECTAL, AUTOSOMAL RECESSIVE. Identifiers: Orphanet 220460, Orphanet 247798, MedGen C3272841, MONDO:0012041, OMIM 608456.

Allele frequency attached by ClinVar (database versions not stated): TOPMed 0.00001.

Submissions (2):

Labcorp Genetics (formerly Invitae), Labcorp
Classification: Uncertain significance for Familial adenomatous polyposis 2. Last evaluated: 2017-09-20. Review status: criteria provided, single submitter. Criteria: Invitae Variant Classification Sherloc (09022015). Collection method: clinical testing. Allele origin: germline.
Comment: In summary, the available evidence is currently insufficient to determine the role of this variant in disease. Therefore, it has been classified as a Variant of Uncertain Significance. Algorithms developed to predict the effect of missense changes on protein structure and function (SIFT, PolyPhen-2, Align-GVGD) all suggest that this variant is likely to be disruptive, but these predictions have not been confirmed by published functional studies and their clinical significance is uncertain. This variant has not been reported in the literature in individuals with MUTYH-related disease. ClinVar contains an entry for this variant (Variation ID: 428280). This variant is not present in population databases (ExAC no frequency). This sequence change replaces alanine with threonine at codon 222 of the MUTYH protein (p.Ala222Thr). The alanine residue is highly conserved and there is a small physicochemical difference between alanine and threonine.

Ambry Genetics
Classification: Uncertain significance for Hereditary cancer-predisposing syndrome. Last evaluated: 2013-07-10. Review status: criteria provided, single submitter. Criteria: Ambry Autosomal Dominant and X-Linked criteria (10/2015). Collection method: clinical testing. Allele origin: germline. Observed: 1 variant allele.
Comment: Ã¢â‚¬â€¹The p.A222T variant (also known as c.664G>A) is located in exon 8 of the MUTYH gene. This alteration results from a G to A substitution at nucleotide position 664. The alanine at codon 222 is replaced by threonine, an amino acid with similar properties. This variant was not reported in population-based cohorts in the following databases: Database of Single Nucleotide Polymorphisms (dbSNP), NHLBI Exome Sequencing Project (ESP) and 1000 Genomes Project. To date, this alteration has been detected with an allele frequency of approximately 0.02% (greater than 5500 alleles tested) in our clinical cohort (includes this individual). Based on protein sequence alignment, this amino acid position is completely conserved. In addition, this alteration is predicted to be deleterious by in silico analysis. Since supporting evidence is limited at this time, the clinical significance of this variant remains unclear.

NM_001048174.2(MUTYH):c.580G>A (p.Ala194Thr)

Gene: MUTYH (mutY DNA glycosylase; minus strand). Cytogenetic location: 1p34.1.
Variant type: single nucleotide variant.
Coding change: c.580G>A on transcript NM_001048174.2 (MANE Select); coding-DNA position 580, G replaced by A.
Protein change: p.Ala194Thr; replaces alanine 194 with threonine.
Molecular consequence: missense variant. On other transcripts: non-coding transcript variant (2).
Genome position (GRCh38, 1-based): chr1:45,332,600, C>T on the plus strand (G>A on the coding strand, the complement: MUTYH is on the minus strand). VCF-style: chr1-45332600-C-T. GRCh37 (hg19) VCF-style: chr1-45798272-C-T.
Other names: c.580G>A, p.Ala194Thr (NM_001048171.2, NM_001048173.2, NM_001293195.2); c.583G>A, p.Ala195Thr (NM_001048172.2); c.664G>A, p.Ala222Thr (NM_001128425.2); c.625G>A, p.Ala209Thr (NM_001293190.2); c.613G>A, p.Ala205Thr (NM_001293191.2); c.304G>A, p.Ala102Thr (NM_001293192.2, NM_001293196.2); c.235G>A, p.Ala79Thr (NM_001350650.2, NM_001350651.2); c.655G>A, p.Ala219Thr (NM_012222.3); short protein forms A222T, A102T, A194T, A195T, A205T, A219T, A209T, A79T.
Identifiers: ClinVar variation 428280 (VCV000428280.11), dbSNP rs1114167683, ClinGen allele CA340135307.